The following is an entry in ClinVar:

ClinVar aggregate classification (germline): Pathogenic/Likely pathogenic. Review status: criteria provided, multiple submitters, no conflicts (2 of 4 stars). 2 submissions from 2 submitters: Pathogenic (1); Likely pathogenic (1). Last evaluated 2018-10-29.

Conditions:
Cleft palate. Identifiers: Orphanet 2014, MedGen C2981150, MONDO:0016064, HP:0000175.

Submissions (2):

GeneDx
Classification: Likely pathogenic. Last evaluated: 2018-10-29. Review status: criteria provided, single submitter. Criteria: GeneDx Variant Classification (06012015). Collection method: clinical testing. Allele origin: germline. Affected: yes.
Comment: The c.1489delC variant in the AMER1 gene has not been reported previously as a pathogenic variant nor as a benign variant, to our knowledge. The c.1489delC variant causes a frameshift starting with codon Arginine 497, changes this amino acid to a Glutamic acid residue, and creates a premature Stop codon at position 44 of the new reading frame, denoted p.Arg497GlufsX44. This variant is predicted to cause loss of normal protein function through protein truncation. The c.1489delC variant is not observed in large population cohorts (Lek et al., 2016). We interpret c.1489delC as a likely pathogenic variant,

Equipe Genetique des Anomalies du Developpement, Université de Bourgogne
Classification: Pathogenic for Cleft palate. Review status: criteria provided, single submitter. Criteria: ACMG Guidelines, 2015. Collection method: clinical testing. Allele origin: de novo. Affected: yes.

NM_152424.4(AMER1):c.1489del (p.Arg497fs)

Gene: AMER1 (APC membrane recruitment protein 1; minus strand). Cytogenetic location: Xq11.2.
Variant type: Deletion.
Coding change: c.1489del on transcript NM_152424.4 (MANE Select); coding-DNA position 1489, one base deleted (C; older notation c.1489delC).
Protein change: p.Arg497fs; shifts the reading frame from arginine 497.
Molecular consequence: frameshift variant.
Genome position (GRCh38, 1-based): chrX:64,191,798, G deleted on the plus strand (C on the coding strand, the reverse complement: AMER1 is on the minus strand); the first of 4 consecutive G bases (chrX:64,191,798-64,191,801); deleting any one gives the same sequence. VCF-style (leftmost placement, unchanged base first): chrX-64191797-CG-C. GRCh37 (hg19) VCF-style: chrX-63411677-CG-C.
Other names: short protein forms R497fs.
Identifiers: ClinVar variation 817301 (VCV000817301.3), dbSNP rs1602067592, ClinGen allele CA915950738.